The following is an entry in ClinVar:

NM_000465.4(BARD1):c.159-6A>C

Gene: BARD1 (BRCA1 associated RING domain 1; minus strand). Cytogenetic location: 2q35.
Variant type: single nucleotide variant.
Coding change: c.159-6A>C on transcript NM_000465.4 (MANE Select); 6 bases into the intron before coding-DNA position 159, A replaced by C.
Molecular consequence: intron variant.
Genome position (GRCh38, 1-based): chr2:214,797,123, T>G on the plus strand (A>C on the coding strand, the complement: BARD1 is on the minus strand). VCF-style: chr2-214797123-T-G. GRCh37 (hg19) VCF-style: chr2-215661847-T-G.
Other names: c.158+12289A>C (NM_001282548.2); c.159-4678A>C (NM_001282543.2); c.159-6A>C (NM_001282545.2, NM_001282549.2).
Identifiers: ClinVar variation 3378524 (VCV003378524.1).

ClinVar aggregate classification (germline): Likely benign (1 of 4 stars; one submission).

Conditions:
Familial cancer of breast. Also called: hereditary breast carcinoma; Hereditary breast cancer; BREAST CANCER, FAMILIAL. Identifiers: Orphanet 227535, MedGen C0346153, MONDO:0016419, OMIM 114480. Disease mechanism: loss of function.

Submission:

Myriad Genetics, Inc.
Classification: Likely benign for Familial cancer of breast. Last evaluated: 2024-07-18. Review status: criteria provided, single submitter. Criteria: Myriad Autosomal Dominant, Autosomal Recessive and X-Linked Classification Criteria (2023). Collection method: clinical testing. Allele origin: unknown.
Comment: This variant is considered likely benign. This variant is intronic and is not expected to impact mRNA splicing.